The following is an entry in ClinVar:

NM_001429.4(EP300):c.6691del (p.Met2231fs)

Gene: EP300 (EP300 lysine acetyltransferase; plus strand). Cytogenetic location: 22q13.2.
Variant type: Deletion.
Coding change: c.6691del on transcript NM_001429.4 (MANE Select); coding-DNA position 6691, one base deleted (A; older notation c.6691delA).
Protein change: p.Met2231fs; shifts the reading frame from methionine 2231.
Molecular consequence: frameshift variant.
Genome position (GRCh38, 1-based): chr22:41,178,402, A deleted. VCF-style (leftmost placement, unchanged base first): chr22-41178401-CA-C. GRCh37 (hg19) VCF-style: chr22-41574405-CA-C.
Other names: c.6613del, p.Met2205fs (NM_001362843.2); short protein forms M2205fs, M2231fs.
Identifiers: ClinVar variation 689642 (VCV000689642.2), dbSNP rs1601641819, ClinGen allele CA915951522.

ClinVar aggregate classification (germline): Likely pathogenic (1 of 4 stars; one submission).

Conditions:
Rubinstein-Taybi syndrome due to EP300 haploinsufficiency. Also called: EP300-Related Rubinstein-Taybi Syndrome; RUBINSTEIN-TAYBI SYNDROME 2. Identifiers: Orphanet 353284, Orphanet 783, MedGen C3150941, MONDO:0013364, OMIM 613684.

Submission:

HudsonAlpha Institute for Biotechnology
Classification: Likely pathogenic for Rubinstein-Taybi syndrome due to EP300 haploinsufficiency. Last evaluated: 2019-07-09. Review status: criteria provided, single submitter. Criteria: ACMG Guidelines, 2015. Collection method: research. Allele origin: inherited. Affected: yes. Observed: 1 variant allele. Study: CSER-SouthSeq.
Comment: ACMG codes: PVS1, PM2